The following is an entry in ClinVar:

ClinVar aggregate classification (germline): Uncertain significance (1 of 4 stars; one submission).

Conditions:
Glycogen storage disease, type VI (GSD6). Also called: Glycogen storage disease type 6; Hepatic glycogen phosphorylase deficiency; HERS DISEASE; PHOSPHORYLASE DEFICIENCY GLYCOGEN-STORAGE DISEASE OF LIVER; Glycogen storage disease type 6, due to phosphorylation; GSD VI. Identifiers: Orphanet 369, MedGen C0017925, MONDO:0009294, OMIM 232700.

gnomAD v4.1: 1 of 1,609,526 alleles (0.000062%); highest among the groups gnomAD compares: Non-Finnish European, 0.000085%; no homozygotes.

Submission:

3billion
Classification: Uncertain significance for Glycogen storage disease, type VI. Last evaluated: 2022-09-01. Review status: criteria provided, single submitter. Criteria: ACMG Guidelines, 2015. Collection method: clinical testing. Allele origin: germline. Affected: yes. Observed: 1 heterozygote.
Comment: The variant is not observed in the gnomAD v2.1.1 dataset. In silico tool predictions suggest damaging effect of the variant on gene or gene product (REVEL: 0.77; 3Cnet: 0.65). Same nucleotide change resulting in same amino acid change has been previously reported to be associated with PYGL -related disorder (PMID: 31768638). However, the evidence of pathogenicity is insufficient at this time. Therefore, this variant is classified as uncertain significance according to the recommendation of ACMG/AMP guideline.

Literature cited by the submitters: PubMed 31768638.

NM_002863.5(PYGL):c.777T>A (p.Asn259Lys)

Gene: PYGL (glycogen phosphorylase L; minus strand). Cytogenetic location: 14q22.1.
Variant type: single nucleotide variant.
Coding change: c.777T>A on transcript NM_002863.5 (MANE Select); coding-DNA position 777, T replaced by A.
Protein change: p.Asn259Lys; replaces asparagine 259 with lysine.
Molecular consequence: missense variant.
Genome position (GRCh38, 1-based): chr14:50,920,619, A>T on the plus strand (T>A on the coding strand, the complement: PYGL is on the minus strand). VCF-style: chr14-50920619-A-T. GRCh37 (hg19) VCF-style: chr14-51387337-A-T.
Other names: c.675T>A, p.Asn225Lys (NM_001163940.2); short protein forms N225K, N259K.
Identifiers: ClinVar variation 1705540 (VCV001705540.1), dbSNP rs2050491545, ClinGen allele CA389691367.